The following is an entry in ClinVar:

ClinVar aggregate classification (germline): Uncertain significance (1 of 4 stars; one submission).

Submission:

GeneDx
Classification: Uncertain significance. Last evaluated: 2019-06-24. Review status: criteria provided, single submitter. Criteria: GeneDx Variant Classification Process June 2021. Collection method: clinical testing. Allele origin: germline. Affected: yes.
Comment: Not observed in large population cohorts (Lek et al., 2016); In silico analysis, which includes protein predictors and evolutionary conservation, supports that this variant does not alter protein structure/function; Has not been previously published as pathogenic or benign to our knowledge

NM_001374828.1(ARID1B):c.884A>C (p.Gln295Pro)

Genes: ARID1B (AT-rich interaction domain 1B; plus strand), LOC129997525 (ATAC-STARR-seq lymphoblastoid silent region 17712; plus strand). Cytogenetic location: 6q25.3.
Variant type: single nucleotide variant.
Coding change: c.884A>C on transcript NM_001374828.1 (MANE Select); coding-DNA position 884, A replaced by C.
Protein change: p.Gln295Pro; replaces glutamine 295 with proline.
Molecular consequence: missense variant.
Genome position (GRCh38, 1-based): chr6:156,778,564, A>C. VCF-style: chr6-156778564-A-C. GRCh37 (hg19) VCF-style: chr6-157099698-A-C.
Other names: c.635A>C (NM_020732.3); c.884A>C, p.Gln295Pro (NM_001371656.1, NM_001374820.1, NM_017519.3); short protein forms Q295P.
Identifiers: ClinVar variation 1205686 (VCV001205686.3), dbSNP rs2114978681, ClinGen allele CA366382331.